The following is an entry in ClinVar:

NM_032043.3(BRIP1):c.1277T>G (p.Val426Gly)

Gene: BRIP1 (BRCA1 interacting DNA helicase 1; minus strand). Cytogenetic location: 17q23.2.
Variant type: single nucleotide variant.
Coding change: c.1277T>G on transcript NM_032043.3 (MANE Select); coding-DNA position 1277, T replaced by G.
Protein change: p.Val426Gly; replaces valine 426 with glycine.
Molecular consequence: missense variant.
Genome position (GRCh38, 1-based): chr17:61,799,163, A>C on the plus strand (T>G on the coding strand, the complement: BRIP1 is on the minus strand). VCF-style: chr17-61799163-A-C. GRCh37 (hg19) VCF-style: chr17-59876524-A-C.
Other names: short protein forms V426G.
Identifiers: ClinVar variation 633136 (VCV000633136.3), dbSNP rs1567829202, ClinGen allele CA400483542.
Genomic context (GRCh38, chr17:61,799,163, plus strand): 5'-ATGAGGCTACAGCACACAGCTCGTAGGGGTTCATGATCTTTCTTCCTTATATTATTGTTG[A>C]CCATACTATCTAGTTCATCCCGAGCAAACCGAAGCTGAACTTCTGTTACACTGTAACTTG-3'
Protein context (NP_114432.2, residues 416-436): RFARDELDSM[Val426Gly]NNNIRKKDHE

ClinVar aggregate classification (germline): Uncertain significance. Review status: criteria provided, multiple submitters, no conflicts (2 of 4 stars). 3 submissions from 3 submitters: Uncertain significance (3). Last evaluated 2026-03-28.

Conditions:
Hereditary cancer-predisposing syndrome. Also called: Tumor predisposition; Hereditary Cancer Syndrome; Neoplastic Syndromes, Hereditary; Hereditary neoplastic syndrome. Identifiers: Orphanet 140162, MedGen C0027672, MeSH D009386, MONDO:0015356.

Allele frequency attached by ClinVar (database versions not stated): gnomAD exomes below 0.00001.

Submissions (3):

Ambry Genetics
Classification: Uncertain significance for Hereditary cancer-predisposing syndrome. Last evaluated: 2026-03-28. Review status: criteria provided, single submitter. Criteria: Ambry Variant Classification Scheme 2023. Collection method: clinical testing. Allele origin: germline.
Comment: The p.V426G variant (also known as c.1277T>G), located in coding exon 8 of the BRIP1 gene, results from a T to G substitution at nucleotide position 1277. The valine at codon 426 is replaced by glycine, an amino acid with dissimilar properties. This amino acid position is highly conserved in available vertebrate species. In addition, the in silico prediction for this alteration is inconclusive. Based on the available evidence, the clinical significance of this variant remains unclear.

Molecular Diagnostics Laboratory, Catalan Institute of Oncology
Classification: Uncertain significance for Hereditary cancer-predisposing syndrome. Last evaluated: 2025-08-26. Review status: criteria provided, single submitter. Criteria: ACMG Guidelines, 2015. Collection method: clinical testing. Allele origin: germline.
Comment: PM2_Supporting, PP3 c.1277T>G, located in exon 9 of the BRIP1 gene, is predicted to result in the substitution of valine with glycine at codon 426, p.(Val426Gly). It is not present in the population database gnomAD v2.1.1, non cancer dataset (PM2_Supporting). The SpliceAI algorithm predicts no significant impact on splicing and the REVEL meta-predictor score for this variant (0.712) suggests a deleterious effect on protein function according to Pejaver 2022 thresholds (PMID: 36413997) (PP3). To our knowledge, neither relevant clinical data nor well-established functional studies have been reported for this variant. Moreover, it has only been reported once in ClinVar, as an uncertain significance variant. Based on the currently available evidence, c.1277T>G is classified as an uncertain significance variant according to ACMG guidelines.

Women's Health and Genetics/Laboratory Corporation of America, LabCorp
Classification: Uncertain significance. Last evaluated: 2018-01-08. Review status: criteria provided, single submitter. Criteria: LabCorp Variant Classification Summary - May 2015. Collection method: clinical testing. Allele origin: germline.
Comment: Variant summary: The BRIP1 c.1277T>G (p.Val426Gly) variant involves the alteration of a conserved nucleotide and is predicted to be damaging by 3/4 in silico tools (SNPsandGO not captured due to low reliability index). This variant is absent in 245980 control chromosomes (gnomAD). The variant of interest has not, to our knowledge, been reported in affected individuals via publications and/or reputable databases/clinical diagnostic laboratories; nor evaluated for functional impact by in vivo/vitro studies. Because of the absence of clinical information and the lack of functional studies, the variant is classified as a variant of uncertain significance (VUS) until additional information becomes available.